The following is an entry in ClinVar:

NM_000138.5(FBN1):c.6181T>A (p.Cys2061Ser)

Gene: FBN1 (fibrillin 1; minus strand). Cytogenetic location: 15q21.1.
Variant type: single nucleotide variant.
Coding change: c.6181T>A on transcript NM_000138.5 (MANE Select); coding-DNA position 6181, T replaced by A.
Protein change: p.Cys2061Ser; replaces cysteine 2061 with serine.
Molecular consequence: missense variant.
Genome position (GRCh38, 1-based): chr15:48,437,900, A>T on the plus strand (T>A on the coding strand, the complement: FBN1 is on the minus strand). VCF-style: chr15-48437900-A-T. GRCh37 (hg19) VCF-style: chr15-48730097-A-T.
Other names: c.6181T>A, p.Cys2061Ser (NM_001406716.1); short protein forms C2061S.
Identifiers: ClinVar variation 3069799 (VCV003069799.1), dbSNP rs1555395267, ClinGen allele CA392337271.
Genomic context (GRCh38, chr15:48,437,900, plus strand): 5'-GCTTGGAGTGATTTCTGGATTTGGGTGATGAACACTTTCCTCCTTCAAACTTCGCATAAC[A>T]GTAGCTCATTCGCAAATCTGCAGCATAAATTTATGACACCCTTCAGTTGCTTTCCTACTG-3'
Protein context (NP_000129.3, residues 2051-2071): RRCQDLRMSY[Cys2061Ser]YAKFEGGKCS

ClinVar aggregate classification (germline): Uncertain significance (1 of 4 stars; one submission).

Conditions:
Marfan syndrome (MFS). Also called: MARFAN SYNDROME, TYPE I; Marfan syndrome type 1; Marfan's syndrome; Marfan syndrome, classic; FBN1-Related Marfan Syndrome. Identifiers: Orphanet 284963, Orphanet 558, MedGen C0024796, MONDO:0007947, OMIM 154700.

Submission:

All of Us Research Program, National Institutes of Health
Classification: Uncertain significance for Marfan syndrome. Last evaluated: 2023-03-09. Review status: criteria provided, single submitter. Criteria: ACMG Guidelines, 2015. Collection method: clinical testing. Allele origin: germline. Inheritance: Autosomal dominant inheritance. Observed: 1 variant allele, 1 heterozygote.
Comment: This missense variant replaces cysteine with serine at codon 2061 in the TGFbeta-like domain 8 of the FBN1 protein. About 90% of variants altering cysteine residues in the TB domains of the FBN1 gene are associated with disease (PMID: 31227806). Computational prediction also suggests that this variant may have deleterious impact on protein structure and function (internally defined REVEL score threshold >= 0.7, PMID: 27666373). To our knowledge, this variant has not been reported in individuals affected with FBN1-related disorders in the literature. This variant has not been identified in the general population by the Genome Aggregation Database (gnomAD). The available evidence is insufficient to determine the role of this variant in disease conclusively. Therefore, this variant is classified as a Variant of Uncertain Significance.

This study involves interpretation of variants in research participants for the purpose of population health screening. Participant phenotype was not available at the time of variant classification. Additional details can be found in publication PMID: 35346344, PMCID: PMC8962531

Literature cited by the submitters: PubMed 31227806.